The following is an entry in ClinVar:

ClinVar aggregate classification (germline): Uncertain significance (1 of 4 stars; one submission).

Submission:

GeneDx
Classification: Uncertain significance. Last evaluated: 2025-05-15. Review status: criteria provided, single submitter. Criteria: GeneDx Variant Classification Process June 2021. Collection method: clinical testing. Allele origin: germline. Affected: yes.
Comment: Not observed at significant frequency in large population cohorts (gnomAD); In silico analysis supports that this missense variant has a deleterious effect on protein structure/function; Has not been previously published as pathogenic or benign to our knowledge

NM_182925.5(FLT4):c.2276C>T (p.Ser759Phe)

Genes: FLT4 (fms related receptor tyrosine kinase 4; minus strand), LOC126807632 (CDK7 strongly-dependent group 2 enhancer GRCh37_chr5:180046831-180048030; plus strand). Cytogenetic location: 5q35.3.
Variant type: single nucleotide variant.
Coding change: c.2276C>T on transcript NM_182925.5 (MANE Select); coding-DNA position 2276, C replaced by T.
Protein change: p.Ser759Phe; replaces serine 759 with phenylalanine.
Molecular consequence: missense variant.
Genome position (GRCh38, 1-based): chr5:180,620,899, G>A on the plus strand (C>T on the coding strand, the complement: FLT4 is on the minus strand). VCF-style: chr5-180620899-G-A. GRCh37 (hg19) VCF-style: chr5-180047899-G-A.
Other names: c.2276C>T, p.Ser759Phe (NM_001354989.2, NM_002020.5); short protein forms S759F.
Identifiers: ClinVar variation 4530876 (VCV004530876.1).
Genomic context (GRCh38, chr5:180,620,899, plus strand): 5'-CGGGAAGGGAGTTGAGGGGTGCAGCCTGAGGCCAGACCTTCCACGGCCACGCTGGCGGAG[G>A]AGTTGACGCAGCCCTTGGCGTTGCACACGCTGCACAGATAGCGTCCCGCATCCTCCTCGC-3'
Protein context (NP_891555.2, residues 749-769): SVCNAKGCVN[Ser759Phe]SASVAVEGSE